The following is an entry in ClinVar:

NM_024408.4(NOTCH2):c.1184T>A (p.Leu395Gln)

Gene: NOTCH2 (notch receptor 2; minus strand). Cytogenetic location: 1p12.
Variant type: single nucleotide variant.
Coding change: c.1184T>A on transcript NM_024408.4 (MANE Select); coding-DNA position 1184, T replaced by A.
Protein change: p.Leu395Gln; replaces leucine 395 with glutamine.
Molecular consequence: missense variant.
Genome position (GRCh38, 1-based): chr1:119,968,157, A>T on the plus strand (T>A on the coding strand, the complement: NOTCH2 is on the minus strand). VCF-style: chr1-119968157-A-T. GRCh37 (hg19) VCF-style: chr1-120510780-A-T.
Other names: c.1184T>A, p.Leu395Gln (NM_001200001.2); short protein forms L395Q.
Identifiers: ClinVar variation 2502483 (VCV002502483.1), dbSNP rs2526307737, ClinGen allele CA341881158.

ClinVar aggregate classification (germline): Uncertain significance (1 of 4 stars; one submission).

Submission:

GeneDx
Classification: Uncertain significance. Last evaluated: 2022-11-18. Review status: criteria provided, single submitter. Criteria: GeneDx Variant Classification Process June 2021. Collection method: clinical testing. Allele origin: germline. Affected: yes.
Comment: Not observed at significant frequency in large population cohorts (gnomAD); In silico analysis supports that this missense variant has a deleterious effect on protein structure/function; Has not been previously published as pathogenic or benign to our knowledge